The following is an entry in ClinVar:

NM_001365276.2(TNXB):c.7589T>A (p.Val2530Glu)

Gene: TNXB (tenascin XB; minus strand). Cytogenetic location: 6p21.33.
Variant type: single nucleotide variant.
Coding change: c.7589T>A on transcript NM_001365276.2 (MANE Select); coding-DNA position 7589, T replaced by A.
Protein change: p.Val2530Glu; replaces valine 2530 with glutamic acid.
Molecular consequence: missense variant.
Genome position (GRCh38, 1-based): chr6:32,058,294, A>T on the plus strand (T>A on the coding strand, the complement: TNXB is on the minus strand). VCF-style: chr6-32058294-A-T. GRCh37 (hg19) VCF-style: chr6-32026071-A-T.
Other names: c.8330T>A, p.Val2777Glu (NM_001428335.1); c.7589T>A, p.Val2530Glu (NM_019105.8); short protein forms V2530E, V2777E.
Identifiers: ClinVar variation 3459730 (VCV003459730.2).

ClinVar aggregate classification (germline): Uncertain significance. Review status: criteria provided, multiple submitters, no conflicts (2 of 4 stars). 2 submissions from 2 submitters: Uncertain significance (2). Last evaluated 2025-03-18.

Conditions:
Cardiovascular phenotype. Identifiers: MedGen CN230736.

gnomAD v4.1: 5 of 1,611,742 alleles (0.00031%); highest among the groups gnomAD compares: East Asian, 0.0022%; no homozygotes.

Submissions (2):

Women's Health and Genetics/Laboratory Corporation of America, LabCorp
Classification: Uncertain significance. Last evaluated: 2025-03-18. Review status: criteria provided, single submitter. Criteria: LabCorp Variant Classification Summary - May 2015. Collection method: clinical testing. Allele origin: germline.
Comment: Variant summary: TNXB c.7589T>A (p.Val2530Glu) results in a non-conservative amino acid change in the encoded protein sequence. Two of three in-silico tools predict a damaging effect of the variant on protein function. The variant allele was found at a frequency of 3.1e-06 in 1604774 control chromosomes (gnomAD). The available data on variant occurrences in the general population are insufficient to allow any conclusion about variant significance. To our knowledge, no occurrence of c.7589T>A in individuals affected with Ehlers-Danlos syndrome due to tenascin-X deficiency and no experimental evidence demonstrating its impact on protein function have been reported. ClinVar contains an entry for this variant (Variation ID: 3459730). Based on the evidence outlined above, the variant was classified as uncertain significance.

Ambry Genetics
Classification: Uncertain significance for Cardiovascular phenotype. Last evaluated: 2024-10-21. Review status: criteria provided, single submitter. Criteria: Ambry Variant Classification Scheme 2023. Collection method: clinical testing. Allele origin: germline.
Comment: The p.V2530E variant (also known as c.7589T>A), located in coding exon 21 of the TNXB gene, results from a T to A substitution at nucleotide position 7589. The valine at codon 2530 is replaced by glutamic acid, an amino acid with dissimilar properties. This amino acid position is conserved. In addition, the in silico prediction for this alteration is inconclusive. Based on the available evidence, the clinical significance of this variant remains unclear.